The following is an entry in ClinVar:

NM_001846.4(COL4A2):c.3448C>T (p.Gln1150Ter)

Gene: COL4A2 (collagen type IV alpha 2 chain; plus strand). Cytogenetic location: 13q34.
Variant type: single nucleotide variant.
Coding change: c.3448C>T on transcript NM_001846.4 (MANE Select); coding-DNA position 3448, C replaced by T.
Protein change: p.Gln1150Ter; replaces glutamine 1150 with a stop codon.
Molecular consequence: nonsense.
Genome position (GRCh38, 1-based): chr13:110,491,334, C>T. VCF-style: chr13-110491334-C-T. GRCh37 (hg19) VCF-style: chr13-111143681-C-T.
Other names: short protein forms Q1150*.
Identifiers: ClinVar variation 1041965 (VCV001041965.6), dbSNP rs62621875, ClinGen allele CA388731964.

ClinVar aggregate classification (germline): Pathogenic (1 of 4 stars; one submission).

Submission:

Labcorp Genetics (formerly Invitae), Labcorp
Classification: Pathogenic. Last evaluated: 2021-12-09. Review status: criteria provided, single submitter. Criteria: Invitae Variant Classification Sherloc (09022015). Collection method: clinical testing. Allele origin: germline.
Comment: This sequence change creates a premature translational stop signal (p.Gln1150*) in the COL4A2 gene. It is expected to result in an absent or disrupted protein product. Loss-of-function variants in COL4A2 are known to be pathogenic (PMID: 22333902, 30315939). This variant is not present in population databases (gnomAD no frequency). This variant has not been reported in the literature in individuals affected with COL4A2-related conditions. ClinVar contains an entry for this variant (Variation ID: 1041965). For these reasons, this variant has been classified as Pathogenic.

Literature cited by the submitters: PubMed 22333902; PubMed 30315939.